The following is an entry in ClinVar:

ClinVar aggregate classification (germline): Pathogenic (1 of 4 stars; one submission).

gnomAD v4.1: 2 of 1,613,792 alleles (0.00012%); highest among the groups gnomAD compares: Non-Finnish European, 0.00017%; no homozygotes.

Submission:

Labcorp Genetics (formerly Invitae), Labcorp
Classification: Pathogenic. Last evaluated: 2025-11-28. Review status: criteria provided, single submitter. Criteria: Invitae Variant Classification Sherloc (09022015). Collection method: clinical testing. Allele origin: germline.
Comment: This sequence change creates a premature translational stop signal (p.Glu1774*) in the PCNT gene. It is expected to result in an absent or disrupted protein product. Loss-of-function variants in PCNT are known to be pathogenic (PMID: 18174396, 22821869). This variant is not present in population databases (gnomAD no frequency). This premature translational stop signal has been observed in individual(s) with PCNT-related conditions (PMID: 22693602). For these reasons, this variant has been classified as Pathogenic.

Literature cited by the submitters: PubMed 18174396; PubMed 22821869; PubMed 22693602.

NM_006031.6(PCNT):c.5320G>T (p.Glu1774Ter)

Gene: PCNT (pericentrin; plus strand). Cytogenetic location: 21q22.3.
Variant type: single nucleotide variant.
Coding change: c.5320G>T on transcript NM_006031.6 (MANE Select); coding-DNA position 5320, G replaced by T.
Protein change: p.Glu1774Ter; replaces glutamic acid 1774 with a stop codon.
Molecular consequence: nonsense.
Genome position (GRCh38, 1-based): chr21:46,411,393, G>T. VCF-style: chr21-46411393-G-T. GRCh37 (hg19) VCF-style: chr21-47831307-G-T.
Other names: c.4966G>T, p.Glu1656Ter (NM_001315529.2); short protein forms E1656*, E1774*.
Identifiers: ClinVar variation 4710611 (VCV004710611.1).